The following is an entry in ClinVar:

ClinVar aggregate classification (germline): Pathogenic (1 of 4 stars; one submission).

Submission:

Labcorp Genetics (formerly Invitae), Labcorp
Classification: Pathogenic. Last evaluated: 2022-04-08. Review status: criteria provided, single submitter. Criteria: Invitae Variant Classification Sherloc (09022015). Collection method: clinical testing. Allele origin: germline.
Comment: This variant has not been reported in the literature in individuals affected with USH2A-related conditions. For these reasons, this variant has been classified as Pathogenic. This variant disrupts a region of the USH2A protein in which other variant(s) (p.Ile5166Val) have been determined to be pathogenic (PMID: 26969326, 27460420, 32531858). This suggests that this is a clinically significant region of the protein, and that variants that disrupt it are likely to be disease-causing. This variant is not present in population databases (gnomAD no frequency). This sequence change creates a premature translational stop signal (p.Glu5075Lysfs*102) in the USH2A gene. While this is not anticipated to result in nonsense mediated decay, it is expected to disrupt the last 128 amino acid(s) of the USH2A protein.

Literature cited by the submitters: PubMed 26969326; PubMed 27460420; PubMed 32531858.

NM_206933.4(USH2A):c.15223_15224del (p.Glu5075fs)

Gene: USH2A (usherin; minus strand). Cytogenetic location: 1q41.
Variant type: Microsatellite.
Coding change: c.15223_15224del on transcript NM_206933.4 (MANE Select); coding-DNA positions 15223 to 15224, 2 bases deleted (GA; older notation c.15223_15224delGA).
Protein change: p.Glu5075fs; shifts the reading frame from glutamic acid 5075.
Molecular consequence: frameshift variant.
Genome position (GRCh38, 1-based): chr1:215,634,532-215,634,533, TC deleted on the plus strand (GA on the coding strand, the reverse complement: USH2A is on the minus strand); deleting any 2 consecutive bases within chr1:215,634,532-215,634,536 gives the same sequence; the c. name uses the placement nearest the transcript's 3' end. VCF-style (leftmost placement, unchanged base first): chr1-215634531-TTC-T. GRCh37 (hg19) VCF-style: chr1-215807873-TTC-T.
Other names: short protein forms E5075fs.
Identifiers: ClinVar variation 2122893 (VCV002122893.4), dbSNP rs2464771603, ClinGen allele CA2580611541.